The following is an entry in ClinVar:

NM_000448.3(RAG1):c.1798del (p.Glu600fs)

Gene: RAG1 (recombination activating 1; plus strand). Cytogenetic location: 11p12.
Variant type: Deletion.
Coding change: c.1798del on transcript NM_000448.3 (MANE Select); coding-DNA position 1798, one base deleted (G; older notation c.1798delG).
Protein change: p.Glu600fs; shifts the reading frame from glutamic acid 600.
Molecular consequence: frameshift variant.
Genome position (GRCh38, 1-based): chr11:36,575,102, G deleted; the last of 2 consecutive G bases (chr11:36,575,101-36,575,102); deleting either gives the same sequence. VCF-style (leftmost placement, unchanged base first): chr11-36575100-AG-A. GRCh37 (hg19) VCF-style: chr11-36596650-AG-A.
Other names: c.1798del, p.Glu600fs (NM_001377277.1, NM_001377278.1, NM_001377279.1 and 1 more transcripts); short protein forms E600fs.
Identifiers: ClinVar variation 1076023 (VCV001076023.9), dbSNP rs2133296385, ClinGen allele CA2499220935.

ClinVar aggregate classification (germline): Pathogenic (1 of 4 stars; one submission).

Conditions:
Severe combined immunodeficiency, autosomal recessive, T cell-negative, B cell-negative, NK cell-positive. Also called: Severe combined immunodeficiency due to complete RAG1/2 deficiency; SCID, T CELL-NEGATIVE, B CELL-NEGATIVE, NK CELL-POSITIVE; SCID, AR, T-cell negative, B-cell negative, NK cell-positive. Identifiers: Orphanet 331206, MedGen C1832322, MONDO:0011086, OMIM 601457.
Combined immunodeficiency with skin granulomas. Identifiers: Orphanet 157949, MedGen C2673536, MONDO:0009306, OMIM 233650.

Submission:

Labcorp Genetics (formerly Invitae), Labcorp
Classification: Pathogenic for Combined immunodeficiency with skin granulomas; Severe combined immunodeficiency, autosomal recessive, T cell-negative, B cell-negative, NK cell-positive. Last evaluated: 2024-06-02. Review status: criteria provided, single submitter. Criteria: Invitae Variant Classification Sherloc (09022015). Collection method: clinical testing. Allele origin: germline.
Comment: This sequence change creates a premature translational stop signal (p.Glu600Serfs*9) in the RAG1 gene. While this is not anticipated to result in nonsense mediated decay, it is expected to disrupt the last 444 amino acid(s) of the RAG1 protein. This variant is not present in population databases (gnomAD no frequency). This variant has not been reported in the literature in individuals affected with RAG1-related conditions. ClinVar contains an entry for this variant (Variation ID: 1076023). This variant disrupts a region of the RAG1 protein in which other variant(s) (p.Trp959*) have been determined to be pathogenic (PMID: 11133745, 24290284, 24406074). This suggests that this is a clinically significant region of the protein, and that variants that disrupt it are likely to be disease-causing. For these reasons, this variant has been classified as Pathogenic.

Literature cited by the submitters: PubMed 11133745; PubMed 24290284; PubMed 24406074.